The following is an entry in ClinVar:

NM_000245.4(MET):c.2432T>C (p.Leu811Pro)

Gene: MET (MET proto-oncogene, receptor tyrosine kinase; plus strand). Cytogenetic location: 7q31.2.
Variant type: single nucleotide variant.
Coding change: c.2432T>C on transcript NM_000245.4 (MANE Select); coding-DNA position 2432, T replaced by C.
Protein change: p.Leu811Pro; replaces leucine 811 with proline.
Molecular consequence: missense variant.
Genome position (GRCh38, 1-based): chr7:116,763,117, T>C. VCF-style: chr7-116763117-T-C. GRCh37 (hg19) VCF-style: chr7-116403171-T-C.
Other names: c.2486T>C, p.Leu829Pro (NM_001127500.3); c.2432T>C, p.Leu811Pro (NM_001324401.3); c.1142T>C, p.Leu381Pro (NM_001324402.2); short protein forms L811P, L829P, L381P.
Identifiers: ClinVar variation 659224 (VCV000659224.6), dbSNP rs1554396554, ClinGen allele CA368983165.

ClinVar aggregate classification (germline): Uncertain significance. Review status: criteria provided, multiple submitters, no conflicts (2 of 4 stars). 2 submissions from 2 submitters: Uncertain significance (2). Last evaluated 2026-08-21.

Conditions:
Hereditary cancer-predisposing syndrome. Also called: Neoplastic Syndromes, Hereditary; Hereditary Cancer Syndrome; Hereditary neoplastic syndrome; Tumor predisposition. Identifiers: Orphanet 140162, MedGen C0027672, MeSH D009386, MONDO:0015356.
Renal cell carcinoma. Identifiers: Orphanet 217071, MedGen C0007134, MeSH D002292, MONDO:0005086, HP:0005584.

Submissions (2):

Ambry Genetics
Classification: Uncertain significance for Hereditary cancer-predisposing syndrome. Last evaluated: 2026-08-21. Review status: criteria provided, single submitter. Criteria: Ambry Variant Classification Scheme 2023. Collection method: clinical testing. Allele origin: germline.
Comment: The p.L829P variant (also known as c.2486T>C), located in coding exon 10 of the MET gene, results from a T to C substitution at nucleotide position 2486. The leucine at codon 829 is replaced by proline, an amino acid with similar properties. This amino acid position is highly conserved in available vertebrate species. In addition, this alteration is predicted to be deleterious by in silico analysis. Based on the available evidence, the clinical significance of this variant remains unclear.

Labcorp Genetics (formerly Invitae), Labcorp
Classification: Uncertain significance for Renal cell carcinoma. Last evaluated: 2021-12-08. Review status: criteria provided, single submitter. Criteria: Invitae Variant Classification Sherloc (09022015). Collection method: clinical testing. Allele origin: germline.
Comment: This sequence change replaces leucine, which is neutral and non-polar, with proline, which is neutral and non-polar, at codon 829 of the MET protein (p.Leu829Pro). This variant is not present in population databases (gnomAD no frequency). This variant has not been reported in the literature in individuals affected with MET-related conditions. ClinVar contains an entry for this variant (Variation ID: 659224). Algorithms developed to predict the effect of missense changes on protein structure and function are either unavailable or do not agree on the potential impact of this missense change (SIFT: "Deleterious"; PolyPhen-2: "Probably Damaging"; Align-GVGD: "Class C0"). In summary, the available evidence is currently insufficient to determine the role of this variant in disease. Therefore, it has been classified as a Variant of Uncertain Significance.